The following is an entry in ClinVar:

ClinVar aggregate classification (germline): Uncertain significance (1 of 4 stars; one submission).

Submission:

Women's Health and Genetics/Laboratory Corporation of America, LabCorp
Classification: Uncertain significance. Last evaluated: 2025-11-06. Review status: criteria provided, single submitter. Criteria: LabCorp Variant Classification Summary - May 2015. Collection method: clinical testing. Allele origin: germline.
Comment: Variant summary: NSD1 c.7742A>C (p.Lys2581Thr) results in a non-conservative amino acid change in the encoded protein sequence. Algorithms developed to predict the effect of missense changes on protein structure and function are either unavailable or do not agree on the potential impact of this missense change. The variant was absent in 249684 control chromosomes. The available data on variant occurrences in the general population are insufficient to allow any conclusion about variant significance. To our knowledge, no occurrence of c.7742A>C in individuals affected with NSD1-related conditions and no experimental evidence demonstrating its impact on protein function have been reported. No submitters have cited clinical-significance assessments for this variant to ClinVar. Based on the evidence outlined above, the variant was classified as uncertain significance.

NM_022455.5(NSD1):c.7742A>C (p.Lys2581Thr)

Gene: NSD1 (nuclear receptor binding SET domain protein 1; plus strand). Cytogenetic location: 5q35.3.
Variant type: single nucleotide variant.
Coding change: c.7742A>C on transcript NM_022455.5 (MANE Select); coding-DNA position 7742, A replaced by C.
Protein change: p.Lys2581Thr; replaces lysine 2581 with threonine.
Molecular consequence: missense variant.
Genome position (GRCh38, 1-based): chr5:177,295,110, A>C. VCF-style: chr5-177295110-A-C. GRCh37 (hg19) VCF-style: chr5-176722111-A-C.
Other names: c.6869A>C, p.Lys2290Thr (NM_001365684.2, NM_001409308.1, NM_172349.5); c.7742A>C, p.Lys2581Thr (NM_001409301.1, NM_001409302.1, NM_001409303.1); c.7322A>C, p.Lys2441Thr (NM_001409304.1); c.6989A>C, p.Lys2330Thr (NM_001409305.1); c.6980A>C, p.Lys2327Thr (NM_001409306.1, NM_001409307.1); c.6620A>C, p.Lys2207Thr (NM_001409309.1); short protein forms K2207T, K2290T, K2327T, K2330T, K2441T, K2581T.
Identifiers: ClinVar variation 4536996 (VCV004536996.1).